The following is an entry in ClinVar:

NM_003823.4(TNFRSF6B):c.29C>T (p.Ser10Leu)

Genes: RTEL1-TNFRSF6B (RTEL1-TNFRSF6B readthrough (NMD candidate); plus strand), TNFRSF6B (TNF receptor superfamily member 6b; plus strand). Cytogenetic location: 20q13.33.
Variant type: single nucleotide variant.
Coding change: c.29C>T on transcript NM_003823.4 (MANE Select); coding-DNA position 29, C replaced by T.
Protein change: p.Ser10Leu; replaces serine 10 with leucine.
Molecular consequence: missense variant. On other transcripts: non-coding transcript variant (1).
Genome position (GRCh38, 1-based): chr20:63,696,796, C>T. VCF-style: chr20-63696796-C-T. GRCh37 (hg19) VCF-style: chr20-62328149-C-T.
Other names: short protein forms S10L.
Identifiers: ClinVar variation 1472497 (VCV001472497.6), dbSNP rs532783203, ClinGen allele CA9966286.

ClinVar aggregate classification (germline): Uncertain significance (1 of 4 stars; one submission).

Allele frequency attached by ClinVar (database versions not stated): TOPMed below 0.00001; ExAC 0.00001; gnomAD 0.00001; gnomAD exomes 0.00001 and 0.00002; 1000 Genomes Project 30x 0.00016; 1000 Genomes Project 0.00020.

Submission:

Labcorp Genetics (formerly Invitae), Labcorp
Classification: Uncertain significance. Last evaluated: 2025-03-18. Review status: criteria provided, single submitter. Criteria: Invitae Variant Classification Sherloc (09022015). Collection method: clinical testing. Allele origin: germline.
Comment: This sequence change replaces serine, which is neutral and polar, with leucine, which is neutral and non-polar, at codon 10 of the TNFRSF6B protein (p.Ser10Leu). The frequency data for this variant in the population databases is considered unreliable, as metrics indicate poor data quality at this position in the gnomAD database. This variant has not been reported in the literature in individuals affected with TNFRSF6B-related conditions. ClinVar contains an entry for this variant (Variation ID: 1472497). An algorithm developed to predict the effect of missense changes on protein structure and function outputs the following: PolyPhen-2: "Not Available". The leucine amino acid residue is found in multiple mammalian species, which suggests that this missense change does not adversely affect protein function. In summary, the available evidence is currently insufficient to determine the role of this variant in disease. Therefore, it has been classified as a Variant of Uncertain Significance.